The following is an entry in ClinVar:

ClinVar aggregate classification (germline): Conflicting classifications of pathogenicity. Review status: criteria provided, conflicting classifications (1 of 4 stars). 4 submissions from 4 submitters: Uncertain significance (2); Likely benign (2). Last evaluated 2025-10-12.

Conditions:
TTN-related disorder. Also called: TTN-related condition; TTN-related disease; TTN-related disorders.

Allele frequency attached by ClinVar (database versions not stated): gnomAD exomes 0.00002; gnomAD 0.00005 and 0.00006; TOPMed 0.00005; ESP Exome Variant Server 0.00008.
gnomAD v4.1: 22 of 1,612,604 alleles (0.0014%); highest among the groups gnomAD compares: African/African-American, 0.02%; no homozygotes.

Submissions (4):

PreventionGenetics, part of Exact Sciences
Classification: Uncertain significance for TTN-related condition. Last evaluated: 2025-10-12. Review status: criteria provided, single submitter. Criteria: ACMG Guidelines, 2015. Collection method: clinical testing. Allele origin: germline.
Comment: The TTN c.70950C>G variant is predicted to result in the amino acid substitution p.Asn23650Lys. To our knowledge, this variant has not been reported in the literature. This variant is reported in 0.021% of alleles in individuals of African descent in gnomAD. At this time, the clinical significance of this variant is uncertain due to the absence of conclusive functional and genetic evidence.

Mayo Clinic Laboratories, Mayo Clinic
Classification: Uncertain significance. Last evaluated: 2022-09-15. Review status: criteria provided, single submitter. Criteria: ACMG Guidelines, 2015. Collection method: clinical testing. Allele origin: germline. Observed: 2 variant alleles.
Comment: BP4

Blueprint Genetics
Classification: Likely benign. Last evaluated: 2021-06-15. Review status: criteria provided, single submitter. Criteria: ACMG Guidelines, 2015. Collection method: clinical testing. Allele origin: germline.

GeneDx
Classification: Likely benign. Last evaluated: 2020-01-03. Review status: criteria provided, single submitter. Criteria: GeneDx Variant Classification Process June 2021. Collection method: clinical testing. Allele origin: germline. Affected: yes.

NM_001267550.2(TTN):c.70950C>G (p.Asn23650Lys)

Genes: TTN (titin; minus strand), TTN-AS1 (TTN antisense RNA 1; plus strand). Cytogenetic location: 2q31.2.
Variant type: single nucleotide variant.
Coding change: c.70950C>G on transcript NM_001267550.2 (MANE Select); coding-DNA position 70950, C replaced by G.
Protein change: p.Asn23650Lys; replaces asparagine 23650 with lysine.
Molecular consequence: missense variant.
Genome position (GRCh38, 1-based): chr2:178,575,182, G>C on the plus strand (C>G on the coding strand, the complement: TTN is on the minus strand). VCF-style: chr2-178575182-G-C. GRCh37 (hg19) VCF-style: chr2-179439909-G-C.
Other names: p.Asn22009Lys; c.66027C>G, p.Asn22009Lys (NM_001256850.1); c.43755C>G, p.Asn14585Lys (NM_003319.4); c.63246C>G, p.Asn21082Lys (NM_133378.4); c.44130C>G, p.Asn14710Lys (NM_133432.3); c.44331C>G, p.Asn14777Lys (NM_133437.4); short protein forms N14585K, N14710K, N14777K, N21082K, N22009K, N23650K.
Identifiers: ClinVar variation 1215397 (VCV001215397.10), dbSNP rs377185608, ClinGen allele CA61002344.
Genomic context (GRCh38, chr2:178,575,182, plus strand): 5'-TCCTTTTTTCCATGTCACTGTGGGCTTCGGTCGACCGAGCACTGGAATTTCAACTTTGAT[G>C]TTGTCACCAGCTTTGGCAATGACCAGTTTCTGATAGATGCCACGGAGATCCAGCTCTGGA-3'
Protein context (NP_001254479.2, residues 23640-23660): QKLVIAKAGD[Asn23650Lys]IKVEIPVLGR